The following is an entry in ClinVar:

NM_001042681.2(RERE):c.2155C>A (p.Gln719Lys)

Gene: RERE (arginine-glutamic acid dipeptide repeats; minus strand). Cytogenetic location: 1p36.23.
Variant type: single nucleotide variant.
Coding change: c.2155C>A on transcript NM_001042681.2 (MANE Select); coding-DNA position 2155, C replaced by A.
Protein change: p.Gln719Lys; replaces glutamine 719 with lysine.
Molecular consequence: missense variant.
Genome position (GRCh38, 1-based): chr1:8,361,352, G>T on the plus strand (C>A on the coding strand, the complement: RERE is on the minus strand). VCF-style: chr1-8361352-G-T. GRCh37 (hg19) VCF-style: chr1-8421412-G-T.
Other names: c.493C>A, p.Gln165Lys (NM_001042682.2); c.2155C>A, p.Gln719Lys (NM_012102.4); short protein forms Q165K, Q719K.
Identifiers: ClinVar variation 3572806 (VCV003572806.2).

ClinVar aggregate classification (germline): Uncertain significance (1 of 4 stars; one submission).

Submission:

GeneDx
Classification: Uncertain significance. Last evaluated: 2025-05-13. Review status: criteria provided, single submitter. Criteria: GeneDx Variant Classification Process June 2021. Collection method: clinical testing. Allele origin: germline.
Comment: Not observed at significant frequency in large population cohorts (gnomAD); In silico analysis suggests that this missense variant does not alter protein structure/function; Has not been previously published as pathogenic or benign to our knowledge